The following is an entry in ClinVar:

NM_005502.4(ABCA1):c.4175+1G>T

Gene: ABCA1 (ATP binding cassette subfamily A member 1; minus strand). Cytogenetic location: 9q31.1.
Variant type: single nucleotide variant.
Coding change: c.4175+1G>T on transcript NM_005502.4 (MANE Select); the canonical splice donor site of the intron after coding-DNA position 4175, G replaced by T.
Molecular consequence: splice donor variant.
Genome position (GRCh38, 1-based): chr9:104,810,799, C>A on the plus strand (G>T on the coding strand, the complement: ABCA1 is on the minus strand). VCF-style: chr9-104810799-C-A. GRCh37 (hg19) VCF-style: chr9-107573080-C-A.
Other names: c.4175+1G>T (NM_005502.3).
Identifiers: ClinVar variation 1503632 (VCV001503632.12), dbSNP rs375247413, ClinGen allele CA5168229.

ClinVar aggregate classification (germline): Pathogenic/Likely pathogenic. Review status: criteria provided, multiple submitters, no conflicts (2 of 4 stars). 3 submissions from 3 submitters: Pathogenic (1); Likely pathogenic (2). Last evaluated 2026-08-14.

Conditions:
Cardiovascular phenotype. Identifiers: MedGen CN230736.

Allele frequency attached by ClinVar (database versions not stated): gnomAD 0.00001; gnomAD exomes 0.00002 and 0.00004; TOPMed 0.00002; ExAC 0.00003; ESP Exome Variant Server 0.00008.
gnomAD v4.1: 35 of 1,614,116 alleles (0.0022%); highest among the groups gnomAD compares: Middle Eastern, 0.016%; no homozygotes.

Submissions (5):

GeneDx
Classification: Pathogenic. Last evaluated: 2026-08-14. Review status: criteria provided, single submitter. Criteria: GeneDx Variant Classification Process June 2021. Collection method: clinical testing. Allele origin: germline.
Comment: Canonical splice site variant predicted to result in a null allele in a gene for which loss of function is a known mechanism of disease; This variant is associated with the following publications: (PMID: 34662886, 30333156, 40476138)

Labcorp Genetics (formerly Invitae), Labcorp
Classification: Likely pathogenic. Last evaluated: 2025-07-28. Review status: criteria provided, single submitter. Criteria: Invitae Variant Classification Sherloc (09022015). Collection method: clinical testing. Allele origin: germline.
Comment: This sequence change affects a donor splice site in intron 29 of the ABCA1 gene. It is expected to disrupt RNA splicing. Variants that disrupt the donor or acceptor splice site typically lead to a loss of protein function (PMID: 16199547), and loss-of-function variants in ABCA1 are known to be pathogenic (PMID: 10525055, 10760292, 20880529). This variant is present in population databases (rs375247413, gnomAD 0.08%). Disruption of this splice site has been observed in individual(s) with autosomal recessive Tangier disease (PMID: 30333156). ClinVar contains an entry for this variant (Variation ID: 1503632). Algorithms developed to predict the effect of sequence changes on RNA splicing suggest that this variant may disrupt the consensus splice site. In summary, the currently available evidence indicates that the variant is pathogenic, but additional data are needed to prove that conclusively. Therefore, this variant has been classified as Likely Pathogenic.

Ambry Genetics
Classification: Likely pathogenic for Cardiovascular phenotype. Last evaluated: 2024-07-17. Review status: criteria provided, single submitter. Criteria: Ambry Variant Classification Scheme 2023. Collection method: clinical testing. Allele origin: germline.
Comment: The c.4175+1G>T intronic variant results from a G to T substitution one nucleotide after coding exon 28 of the ABCA1 gene. This variant has been reported in a subject with Tangier disease who was also noted to be compound heterozygous with a missense alteration (Geller AS et al. J Lipid Res, 2018 Dec;59:2421-2435). This nucleotide position is highly conserved in available vertebrate species. In silico splice site analysis predicts that this alteration will weaken the native splice donor site and may result in the creation or strengthening of a novel splice donor site. In addition to the clinical data presented in the literature, alterations that disrupt the canonical splice site are expected to cause aberrant splicing, resulting in an abnormal protein or a transcript that is subject to nonsense-mediated mRNA decay. As such, this alteration is classified as likely pathogenic.

Dr. Peter K. Rogan Lab, Western University
No classification provided (evidence only). Condition: Colorectal cancer. Review status: no classification provided. Collection method: in vitro. Allele origin: not applicable. Functional consequence: retained intron. Not counted in ClinVar's aggregate classification.

Dr. Peter K. Rogan Lab, Western University
No classification provided (evidence only). Condition: Thyroid cancer, nonmedullary, 1. Review status: no classification provided. Collection method: in vitro. Allele origin: not applicable. Functional consequence: retained intron. Not counted in ClinVar's aggregate classification.

Literature cited by the submitters: PubMed 16199547 (cited by Labcorp Genetics (formerly Invitae), Labcorp); PubMed 10525055 (cited by Labcorp Genetics (formerly Invitae), Labcorp); PubMed 10760292 (cited by Labcorp Genetics (formerly Invitae), Labcorp); PubMed 20880529 (cited by Labcorp Genetics (formerly Invitae), Labcorp); PubMed 30333156 (cited by Labcorp Genetics (formerly Invitae), Labcorp and Ambry Genetics).